The following is an entry in ClinVar:

NM_000128.4(F11):c.1608G>C (p.Lys536Asn)

Genes: F11 (coagulation factor XI; plus strand), F11-AS1 (F11 antisense RNA 1; minus strand). Cytogenetic location: 4q35.2.
Variant type: single nucleotide variant.
Coding change: c.1608G>C on transcript NM_000128.4 (MANE Select); coding-DNA position 1608, G replaced by C.
Protein change: p.Lys536Asn; replaces lysine 536 with asparagine.
Molecular consequence: missense variant.
Genome position (GRCh38, 1-based): chr4:186,287,715, G>C. VCF-style: chr4-186287715-G-C. GRCh37 (hg19) VCF-style: chr4-187208869-G-C.
Other names: short protein forms K536N.
Identifiers: ClinVar variation 873465 (VCV000873465.10), dbSNP rs774280710, ClinGen allele CA3164056.

ClinVar aggregate classification (germline): Pathogenic/Likely pathogenic. Review status: criteria provided, multiple submitters, no conflicts (2 of 4 stars). 4 submissions from 4 submitters: Pathogenic (2); Likely pathogenic (2). Last evaluated 2025-08-11.

Conditions:
Hereditary factor XI deficiency disease. Also called: PLASMA THROMBOPLASTIN ANTECEDENT DEFICIENCY; PTA DEFICIENCY; ROSENTHAL SYNDROME; Congenital factor XI deficiency. Identifiers: Orphanet 329, MedGen C0015523, MeSH D005173, MONDO:0012897, OMIM 612416.

Allele frequency attached by ClinVar (database versions not stated): TOPMed 0.00002; ExAC 0.00001; gnomAD 0.00001.
gnomAD v4.1: 7 of 1,613,076 alleles (0.00043%); highest among the groups gnomAD compares: Admixed American, 0.0083%; no homozygotes.

Submissions (4):

Labcorp Genetics (formerly Invitae), Labcorp
Classification: Pathogenic. Last evaluated: 2025-08-11. Review status: criteria provided, single submitter. Criteria: Invitae Variant Classification Sherloc (09022015). Collection method: clinical testing. Allele origin: germline.
Comment: This sequence change replaces lysine, which is basic and polar, with asparagine, which is neutral and polar, at codon 536 of the F11 protein (p.Lys536Asn). This variant is present in population databases (rs774280710, gnomAD 0.003%). This missense change has been observed in individual(s) with factor XI deficiency (PMID: 11127865, 28960694, 29367083). In at least one individual the data is consistent with being in trans (on the opposite chromosome) from a pathogenic variant. It has also been observed to segregate with disease in related individuals. This variant is also known as K518N. ClinVar contains an entry for this variant (Variation ID: 873465). Invitae Evidence Modeling of protein sequence and biophysical properties (such as structural, functional, and spatial information, amino acid conservation, physicochemical variation, residue mobility, and thermodynamic stability) indicates that this missense variant is not expected to disrupt F11 protein function with a negative predictive value of 80%. For these reasons, this variant has been classified as Pathogenic.

Revvity Omics, Revvity
Classification: Likely pathogenic for Hereditary factor XI deficiency disease. Last evaluated: 2025-02-04. Review status: criteria provided, single submitter. Criteria: ACMG Guidelines, 2015. Collection method: clinical testing. Allele origin: germline.

Dasa
Classification: Pathogenic. Last evaluated: 2024-12-06. Review status: criteria provided, single submitter. Criteria: DASA Assertion Criteria. Collection method: clinical testing. Allele origin: germline.
Comment: NM_000128.4(F11):c.1608G>C (p.Lys536Asn) introduces a lysine-to-asparagine substitution. The variant has been recurrently observed in individuals with factor XI deficiency (PMID: 28960694). It is present at low frequency in population datasets. Based on the available data, this variant is classified as pathogenic.

UNC Molecular Genetics  Laboratory, University of North Carolina at Chapel Hill
Classification: Likely pathogenic for Hereditary factor XI deficiency disease. Review status: criteria provided, single submitter. Criteria: ACMG Guidelines, 2015. Collection method: research. Allele origin: germline. Affected: no. Observed: 1 variant allele. Study: NSIGHT-NC NEXUS.
Comment: This F11 c.1608G>C (p.K536N) variant was previously reported in the compound heterozygous state in two siblings with Factor XI deficiency (PMID: 28960694).

Literature cited by the submitters: PubMed 11127865 (cited by Labcorp Genetics (formerly Invitae), Labcorp); PubMed 28960694 (cited by 3 submitters); PubMed 29367083 (cited by Labcorp Genetics (formerly Invitae), Labcorp).